The following is an entry in ClinVar:

NM_021930.6(RINT1):c.914_928del (p.Pro305_Met309del)

Gene: RINT1 (RAD50 interactor 1; plus strand). Cytogenetic location: 7q22.3.
Variant type: Deletion.
Coding change: c.914_928del on transcript NM_021930.6 (MANE Select); coding-DNA positions 914 to 928, 15 bases deleted (CCATCCAGGTTATGC).
Protein change: p.Pro305_Met309del.
Molecular consequence: inframe deletion. On other transcripts: 5 prime UTR variant (1), initiator codon variant (1), non-coding transcript variant (1), intron variant (1).
Genome position (GRCh38, 1-based): chr7:105,548,628-105,548,642, CCATCCAGGTTATGC deleted; deleting any 15 consecutive bases within chr7:105,548,625-105,548,642 gives the same sequence; the c. name uses the placement nearest the transcript's 3' end. VCF-style (leftmost placement, unchanged base first): chr7-105548624-CTGCCCATCCAGGTTA-C. GRCh37 (hg19) VCF-style: chr7-105189071-CTGCCCATCCAGGTTA-C.
Other names: c.680_694del, p.Pro227_Met231del (NM_001346599.2); c.-106_-92del (NM_001346600.2); c.-11_4del, p.Met1_Leu2del (NM_001346601.2); c.-27-1427_-27-1413del (NM_001346603.2).
Identifiers: ClinVar variation 1765944 (VCV001765944.3), dbSNP rs1790787070, ClinGen allele CA1731744370.
Genomic context (GRCh38, chr7:105,548,624, plus strand): 5'-CTTACTGAGCCAAAGCAACTCCCAGAAAAATACTCTCTTCCTGCCTCCCCTTCTGTCATC[CTGCCCATCCAGGTTA>C]TGCTGACTCCTCTTCAGAAGAGGTTCAGGTATCACTTCAGAGGGAACCGGCAGACTAATG-3'

ClinVar aggregate classification (germline): Uncertain significance (1 of 4 stars; one submission).

Submission:

Ambry Genetics
Classification: Uncertain significance. Last evaluated: 2021-04-10. Review status: criteria provided, single submitter. Criteria: Ambry Variant Classification Scheme 2023. Collection method: clinical testing. Allele origin: germline.
Comment: The c.914_928del15 variant (also known as p.P305_M309del) is located in coding exon 7 of the RINT1 gene. This variant results from an in-frame CCATCCAGGTTATGC deletion at nucleotide positions 914 to 928. This results in the in-frame deletion of 5 amino acids at codons 305 to 309. This amino acid region is well conserved in available vertebrate species. In addition, this alteration is predicted to be deleterious by in silico analysis (Choi Y et al. PLoS ONE. 2012; 7(10):e46688). Since supporting evidence is limited at this time, the clinical significance of this alteration remains unclear.